The following is an entry in ClinVar:

NM_004415.4(DSP):c.6401T>C (p.Val2134Ala)

Gene: DSP (desmoplakin; plus strand). Cytogenetic location: 6p24.3.
Variant type: single nucleotide variant.
Coding change: c.6401T>C on transcript NM_004415.4 (MANE Select); coding-DNA position 6401, T replaced by C.
Protein change: p.Val2134Ala; replaces valine 2134 with alanine.
Molecular consequence: missense variant.
Genome position (GRCh38, 1-based): chr6:7,583,663, T>C. VCF-style: chr6-7583663-T-C. GRCh37 (hg19) VCF-style: chr6-7583896-T-C.
Other names: c.4604T>C, p.Val1535Ala (NM_001008844.3); c.5072T>C, p.Val1691Ala (NM_001319034.2); short protein forms V1535A, V1691A, V2134A.
Identifiers: ClinVar variation 2567522 (VCV002567522.3), dbSNP rs2533940957, ClinGen allele CA362690714.

ClinVar aggregate classification (germline): Uncertain significance. Review status: criteria provided, multiple submitters, no conflicts (2 of 4 stars). 2 submissions from 2 submitters: Uncertain significance (2). Last evaluated 2023-06-23.

Conditions:
Cardiovascular phenotype. Identifiers: MedGen CN230736.

Allele frequency attached by ClinVar (database versions not stated): gnomAD exomes below 0.00001.
gnomAD v4.1: 1 of 1,614,082 alleles (0.000062%); highest among the groups gnomAD compares: Non-Finnish European, 0.000085%; no homozygotes.

Submissions (2):

GeneDx
Classification: Uncertain significance. Last evaluated: 2023-06-23. Review status: criteria provided, single submitter. Criteria: GeneDx Variant Classification Process June 2021. Collection method: clinical testing. Allele origin: germline. Affected: yes.
Comment: Not observed at significant frequency in large population cohorts (gnomAD); In silico analysis supports that this missense variant has a deleterious effect on protein structure/function; Has not been previously published as pathogenic or benign to our knowledge

Ambry Genetics
Classification: Uncertain significance for Cardiovascular phenotype. Last evaluated: 2023-04-11. Review status: criteria provided, single submitter. Criteria: Ambry Variant Classification Scheme 2023. Collection method: clinical testing. Allele origin: germline.
Comment: The p.V2134A variant (also known as c.6401T>C), located in coding exon 24 of the DSP gene, results from a T to C substitution at nucleotide position 6401. The valine at codon 2134 is replaced by alanine, an amino acid with similar properties. This amino acid position is conserved. In addition, the in silico prediction for this alteration is inconclusive. Since supporting evidence is limited at this time, the clinical significance of this alteration remains unclear.